The following is an entry in ClinVar:

ClinVar aggregate classification (germline): Conflicting classifications of pathogenicity. Review status: criteria provided, conflicting classifications (1 of 4 stars). 7 submissions from 5 submitters: Uncertain significance (6); Benign (1). Last evaluated 2025-11-03.

Conditions:
Charcot-Marie-Tooth disease axonal type 2X. Also called: CHARCOT-MARIE-TOOTH DISEASE, AXONAL, AUTOSOMAL RECESSIVE, TYPE 2X; CHARCOT-MARIE-TOOTH NEUROPATHY, TYPE 2X. Identifiers: Orphanet 466775, MedGen C5569024, MONDO:0014726, OMIM 616668.
Amyotrophic lateral sclerosis type 5 (ALS5). Also called: AMYOTROPHIC LATERAL SCLEROSIS 5, JUVENILE. Identifiers: Orphanet 300605, MedGen C1865864, MONDO:0011196, OMIM 602099.
Hereditary spastic paraplegia 11. Also called: SPASTIC PARAPLEGIA, AUTOSOMAL RECESSIVE, COMPLICATED, WITH THIN CORPUS CALLOSUM; SPASTIC PARAPLEGIA, AUTOSOMAL RECESSIVE, WITH MENTAL IMPAIRMENT AND THIN CORPUS CALLOSUM; Spastic paraplegia, mental retardation and thin corpus callosum; Nakamura Osame syndrome; Autosomal recessive hereditary spastic paraplegia, mental impairment, and thin corpus callosum; Spastic Paraplegia 11. Identifiers: Orphanet 2822, MedGen C1858479, MONDO:0011445, OMIM 604360.
Inborn genetic diseases. Identifiers: MedGen C0950123, MeSH D030342.

Allele frequency attached by ClinVar (database versions not stated): gnomAD exomes 0.00004 and 0.00012; ExAC 0.00016; ESP Exome Variant Server 0.00038; gnomAD 0.00052 and 0.00058; TOPMed 0.00053.
gnomAD v4.1: 133 of 1,614,040 alleles (0.0082%); highest among the groups gnomAD compares: African/African-American, 0.17%; 1 homozygote.

Submissions (7):

Labcorp Genetics (formerly Invitae), Labcorp
Classification: Benign for Hereditary spastic paraplegia 11. Last evaluated: 2025-11-03. Review status: criteria provided, single submitter. Criteria: Invitae Variant Classification Sherloc (09022015). Collection method: clinical testing. Allele origin: germline.

Ambry Genetics
Classification: Uncertain significance for Inborn genetic diseases. Last evaluated: 2022-08-29. Review status: criteria provided, single submitter. Criteria: Ambry Variant Classification Scheme 2023. Collection method: clinical testing. Allele origin: germline.
Comment: The p.C462R variant (also known as c.1384T>C), located in coding exon 6 of the SPG11 gene, results from a T to C substitution at nucleotide position 1384. The cysteine at codon 462 is replaced by arginine, an amino acid with highly dissimilar properties. This amino acid position is not well conserved in available vertebrate species. In addition, this alteration is predicted to be tolerated by in silico analysis. Since supporting evidence is limited at this time, the clinical significance of this alteration remains unclear.

GeneDx
Classification: Uncertain significance. Last evaluated: 2022-03-16. Review status: criteria provided, single submitter. Criteria: GeneDx Variant Classification Process June 2021. Collection method: clinical testing. Allele origin: germline. Affected: yes.
Comment: In silico analysis supports that this missense variant does not alter protein structure/function; Has not been previously published as pathogenic or benign to our knowledge

Victorian Clinical Genetics Services, Murdoch Childrens Research Institute
Classification: Uncertain significance for Hereditary spastic paraplegia 11. Last evaluated: 2022-02-02. Review status: criteria provided, single submitter. Criteria: ACMG Guidelines, 2015. Collection method: clinical testing. Allele origin: germline. Inheritance: Autosomal recessive inheritance.
Comment: Based on the classification scheme VCGS_Germline_v1.3.4, this variant is classified as VUS-3C. Following criteria are met: 0102 - Loss of function is a known mechanism of disease in this gene and is associated with juvenile amyotrophic lateral sclerosis 5 (MIM#602099), Charcot-Marie-Tooth disease, axonal, type 2X (MIM#616668) and spastic paraplegia 11 (MIM#604360). The genotype-phenotype correlation is currently unestablished. (I) 0106 - This gene is associated with autosomal recessive disease. (I) 0200 - Variant is predicted to result in a missense amino acid change from cysteine to arginine. (I) 0252 - This variant is homozygous. (I) 0304 - Variant is present in gnomAD <0.01 for a recessive condition (v3: 78 heterozygotes, 0 homozygotes). (SP) 0504 - Same amino acid change has been observed in placental mammals. (SB) 0604 - Variant is not located in an established domain, motif, hotspot or informative constraint region. (I) 0705 - No comparable missense variants have previous evidence for pathogenicity. (I) 0809 - Previous evidence of pathogenicity for this variant is inconclusive. It has been classified once as a VUS by a diagnostic laboratory in ClinVar. (I) 0905 - No published segregation evidence has been identified for this variant. (I) 1007 - No published functional evidence has been identified for this variant. (I) Legend: (SP) - Supporting pathogenic, (I) - Information, (SB) - Supporting benign

Genome-Nilou Lab
Classification: Uncertain significance for Amyotrophic lateral sclerosis type 5. Review status: criteria provided, single submitter. Criteria: ACMG Guidelines, 2015. Collection method: clinical testing. Allele origin: germline.

Genome-Nilou Lab
Classification: Uncertain significance for Charcot-Marie-Tooth disease axonal type 2X. Review status: criteria provided, single submitter. Criteria: ACMG Guidelines, 2015. Collection method: clinical testing. Allele origin: germline.

Genome-Nilou Lab
Classification: Uncertain significance for Hereditary spastic paraplegia 11. Review status: criteria provided, single submitter. Criteria: ACMG Guidelines, 2015. Collection method: clinical testing. Allele origin: germline.

NM_025137.4(SPG11):c.1384T>C (p.Cys462Arg)

Gene: SPG11 (SPG11 vesicle trafficking associated, spatacsin; minus strand). Cytogenetic location: 15q21.1.
Variant type: single nucleotide variant.
Coding change: c.1384T>C on transcript NM_025137.4 (MANE Select); coding-DNA position 1384, T replaced by C.
Protein change: p.Cys462Arg; replaces cysteine 462 with arginine.
Molecular consequence: missense variant.
Genome position (GRCh38, 1-based): chr15:44,651,563, A>G on the plus strand (T>C on the coding strand, the complement: SPG11 is on the minus strand). VCF-style: chr15-44651563-A-G. GRCh37 (hg19) VCF-style: chr15-44943761-A-G.
Other names: c.1384T>C, p.Cys462Arg (NM_001160227.2); short protein forms C462R.
Identifiers: ClinVar variation 857886 (VCV000857886.15), dbSNP rs139019255, ClinGen allele CA7535567.
Genomic context (GRCh38, chr15:44,651,563, plus strand): 5'-AGCACAGCTGCTGGTCTCCACTACTGTCTACAGGAATACACTTTGTGCCAAGGGAAAAAC[A>G]CTGCATGCCCTGGGTCTCCAAATCCCAGAGGGTAATGGTATAGCCCATCCTTTCCACTTC-3'
Protein context (NP_079413.3, residues 452-472): LWDLETQGMQ[Cys462Arg]FSLGTKCIPV